The following is an entry in ClinVar:

NM_004006.3(DMD):c.9337C>T (p.Arg3113Ter)

Gene: DMD (dystrophin; minus strand). Cytogenetic location: Xp21.2.
Variant type: single nucleotide variant.
Coding change: c.9337C>T on transcript NM_004006.3 (MANE Select); coding-DNA position 9337, C replaced by T.
Protein change: p.Arg3113Ter; replaces arginine 3113 with a stop codon.
Molecular consequence: nonsense.
Genome position (GRCh38, 1-based): chrX:31,223,071, G>A on the plus strand (C>T on the coding strand, the complement: DMD is on the minus strand). VCF-style: chrX-31223071-G-A. GRCh37 (hg19) VCF-style: chrX-31241188-G-A.
Other names: NP_003997.1:p.Arg3113*; c.9313C>T, p.Arg3105Ter (NM_000109.4); c.9325C>T, p.Arg3109Ter (NM_004009.3); c.8968C>T, p.Arg2990Ter (NM_004010.3); c.5314C>T, p.Arg1772Ter (NM_004011.4); c.5305C>T, p.Arg1769Ter (NM_004012.4); c.1957C>T, p.Arg653Ter (NM_004013.3, NM_004020.4, NM_004021.3 and 2 more transcripts); c.1150C>T, p.Arg384Ter (NM_004014.3); and 1 more; short protein forms R3113*, R2990*, R3105*, R653*, R3109*, R45*, R1769*, R1772*.
Identifiers: ClinVar variation 94839 (VCV000094839.19), dbSNP rs398124092, ClinGen allele CA267182.

ClinVar aggregate classification (germline): Pathogenic. Review status: criteria provided, multiple submitters, no conflicts (2 of 4 stars). 7 submissions from 7 submitters: Pathogenic (6). 1 of the submissions does not count toward it. Last evaluated 2025-12-16.

Conditions:
Progressive muscular dystrophy. Identifiers: Orphanet 206644, MedGen C4551827, MONDO:0016106.
Dystrophin deficiency.
Cardiomyopathy (CMYO). Also called: Cardiomyopathies. Identifiers: Orphanet 167848, MedGen C0878544, MONDO:0004994, HP:0001638. Inheritance: Various modes of inheritance.
Becker muscular dystrophy (BMD). Also called: MUSCULAR DYSTROPHY, PSEUDOHYPERTROPHIC PROGRESSIVE, BECKER TYPE; Becker Muscular Dystrophy (BMD). Identifiers: Orphanet 98895, MedGen C0917713, MONDO:0010311, OMIM 300376.
Duchenne muscular dystrophy (DMD). Also called: MUSCULAR DYSTROPHY, PSEUDOHYPERTROPHIC PROGRESSIVE, DUCHENNE TYPE; Duchenne Muscular Dystrophy (DMD). Identifiers: Orphanet 98896, MedGen C0013264, MONDO:0010679, OMIM 310200.

Submissions (7):

Labcorp Genetics (formerly Invitae), Labcorp
Classification: Pathogenic for Duchenne muscular dystrophy. Last evaluated: 2025-12-16. Review status: criteria provided, single submitter. Criteria: Invitae Variant Classification Sherloc (09022015). Collection method: clinical testing. Allele origin: germline.
Comment: This sequence change creates a premature translational stop signal (p.Arg3113*) in the DMD gene. It is expected to result in an absent or disrupted protein product. Loss-of-function variants in DMD are known to be pathogenic (PMID: 16770791, 25007885). This variant is not present in population databases (gnomAD no frequency). This premature translational stop signal has been observed in individuals with Duchenne muscular dystrophy (PMID: 12632325, 15723292, 19602481, 23536893, 25761239, 26968818, 28181689). ClinVar contains an entry for this variant (Variation ID: 94839). For these reasons, this variant has been classified as Pathogenic.

Myriad Genetics, Inc.
Classification: Pathogenic for Progressive muscular dystrophy. Last evaluated: 2025-09-15. Review status: criteria provided, single submitter. Criteria: Myriad Autosomal Dominant, Autosomal Recessive and X-Linked Classification Criteria (2023). Collection method: clinical testing. Allele origin: unknown.
Comment: NM_004006.2(DMD):c.9337C>T(R3113*) is a nonsense variant classified as pathogenic in the context of dystrophinopathy (including Duchenne/Becker muscular dystrophy). R3113* has been observed in cases with relevant disease (PMID: 19602481, 31081998, 32559196). Relevant functional assessments of this variant are not available in the literature. R3113* has not been observed in referenced population frequency databases. In summary, NM_004006.2(DMD):c.9337C>T(R3113*) is a nonsense variant in a gene where loss of function is a known mechanism of disease, is predicted to disrupt protein function, and has been observed more frequently in cases with the relevant disease than in healthy populations. Please note: this variant was assessed in the context of healthy population screening.

GeneDx
Classification: Pathogenic. Last evaluated: 2025-01-17. Review status: criteria provided, single submitter. Criteria: GeneDx Variant Classification Process June 2021. Collection method: clinical testing. Allele origin: germline. Affected: yes.
Comment: Not observed at significant frequency in large population cohorts (gnomAD); Nonsense variant predicted to result in protein truncation or nonsense mediated decay in a gene for which loss of function is a known mechanism of disease; Based on the understanding of this genetic alteration, it may be amenable to nonsense read-through therapy that is currently available or in clinical trial; This variant is associated with the following publications: (PMID: 17259292, 17041906, 25525159, 15643612, 21972111, 31081998, 32559196, 19602481)

Revvity Omics, Revvity
Classification: Pathogenic. Last evaluated: 2024-12-09. Review status: criteria provided, single submitter. Criteria: ACMG Guidelines, 2015. Collection method: clinical testing. Allele origin: germline.

Eurofins Ntd Llc (ga)
Classification: Pathogenic. Last evaluated: 2016-08-03. Review status: criteria provided, single submitter. Criteria: EGL Classification Definitions 2015. Collection method: clinical testing. Allele origin: germline. Observed: 4 variant alleles, 1 heterozygote, 3 hemizygotes.

Athena Diagnostics
Classification: Pathogenic for Duchenne muscular dystrophy. Last evaluated: 2013-08-20. Review status: criteria provided, single submitter. Criteria: Athena Diagnostics Criteria. Collection method: clinical testing. Allele origin: germline. Inheritance: X-linked recessive inheritance.
Comment: X-linked recessive inheritance

Natera, Inc.
Classification: Pathogenic for Becker muscular dystrophy; Cardiomyopathy; Duchenne muscular dystrophy; Dystrophin deficiency. Last evaluated: 2017-05-09. Review status: no assertion criteria provided. Collection method: clinical testing. Allele origin: germline. Not counted in ClinVar's aggregate classification.

Literature cited by the submitters: PubMed 16770791 (cited by Labcorp Genetics (formerly Invitae), Labcorp); PubMed 25007885 (cited by Labcorp Genetics (formerly Invitae), Labcorp); PubMed 12632325 (cited by Labcorp Genetics (formerly Invitae), Labcorp); PubMed 15723292 (cited by Labcorp Genetics (formerly Invitae), Labcorp); PubMed 19602481 (cited by 4 submitters); PubMed 23536893 (cited by Labcorp Genetics (formerly Invitae), Labcorp); PubMed 25761239 (cited by Labcorp Genetics (formerly Invitae), Labcorp); PubMed 26968818 (cited by Labcorp Genetics (formerly Invitae), Labcorp); PubMed 28181689 (cited by Labcorp Genetics (formerly Invitae), Labcorp); PubMed 31081998 (cited by Myriad Genetics, Inc.); PubMed 32559196 (cited by Myriad Genetics, Inc.).